The following is an entry in ClinVar:

ClinVar aggregate classification (germline): Uncertain significance (1 of 4 stars; one submission).

Conditions:
TLL1-related disorder. Also called: TLL1-related condition.

Submission:

PreventionGenetics, part of Exact Sciences
Classification: Uncertain significance for TLL1-related condition. Last evaluated: 2023-02-11. Review status: criteria provided, single submitter. Criteria: ACMG Guidelines, 2015. Collection method: clinical testing. Allele origin: germline.
Comment: The TLL1 c.2614G>A variant is predicted to result in the amino acid substitution p.Ala872Thr. To our knowledge, this variant has not been reported in the literature or in a large population database, indicating this variant is rare. At this time, the clinical significance of this variant is uncertain due to the absence of conclusive functional and genetic evidence.

NM_012464.5(TLL1):c.2614G>A (p.Ala872Thr)

Gene: TLL1 (tolloid like 1; plus strand). Cytogenetic location: 4q32.3.
Variant type: single nucleotide variant.
Coding change: c.2614G>A on transcript NM_012464.5 (MANE Select); coding-DNA position 2614, G replaced by A.
Protein change: p.Ala872Thr; replaces alanine 872 with threonine.
Molecular consequence: missense variant.
Genome position (GRCh38, 1-based): chr4:166,091,299, G>A. VCF-style: chr4-166091299-G-A. GRCh37 (hg19) VCF-style: chr4-167012451-G-A.
Other names: short protein forms A872T.
Identifiers: ClinVar variation 2630647 (VCV002630647.1), dbSNP rs2477086118, ClinGen allele CA358695674.